The following is an entry in ClinVar:

NM_003072.5(SMARCA4):c.4636-13T>C

Gene: SMARCA4 (SWI/SNF related BAF chromatin remodeling complex subunit ATPase 4; plus strand). Cytogenetic location: 19p13.2.
Variant type: single nucleotide variant.
Coding change: c.4636-13T>C on transcript NM_003072.5 (MANE Select); 13 bases into the intron before coding-DNA position 4636, T replaced by C.
Molecular consequence: intron variant.
Genome position (GRCh38, 1-based): chr19:11,059,740, T>C. VCF-style: chr19-11059740-T-C. GRCh37 (hg19) VCF-style: chr19-11170416-T-C.
Other names: c.4636-13T>C (NM_001128844.3); c.4732-13T>C (NM_001128849.3, NM_001387283.1); c.4537-13T>C (NM_001128847.4, NM_001374457.1); c.4633-13T>C (NM_001411150.1); c.4546-13T>C (NM_001128845.2); c.4543-13T>C (NM_001128846.2); c.4534-13T>C (NM_001128848.2).
Identifiers: ClinVar variation 2769337 (VCV002769337.3), dbSNP rs2147112287, ClinGen allele CA2697556278.

ClinVar aggregate classification (germline): Uncertain significance (1 of 4 stars; one submission).

Conditions:
Rhabdoid tumor predisposition syndrome 2 (RTPS2). Identifiers: Orphanet 231108, Orphanet 69077, MedGen C2750074, MONDO:0013224, OMIM 613325.

Submission:

Labcorp Genetics (formerly Invitae), Labcorp
Classification: Uncertain significance for Rhabdoid tumor predisposition syndrome 2. Last evaluated: 2023-10-17. Review status: criteria provided, single submitter. Criteria: Invitae Variant Classification Sherloc (09022015). Collection method: clinical testing. Allele origin: germline.
Comment: This sequence change falls in intron 33 of the SMARCA4 gene. It does not directly change the encoded amino acid sequence of the SMARCA4 protein. This variant is not present in population databases (gnomAD no frequency). This variant has not been reported in the literature in individuals affected with SMARCA4-related conditions. Algorithms developed to predict the effect of sequence changes on RNA splicing suggest that this variant may create or strengthen a splice site. In summary, the available evidence is currently insufficient to determine the role of this variant in disease. Therefore, it has been classified as a Variant of Uncertain Significance.